The following is an entry in ClinVar:

ClinVar aggregate classification (germline): Uncertain significance. Review status: criteria provided, multiple submitters, no conflicts (2 of 4 stars). 2 submissions from 2 submitters: Uncertain significance (2). Last evaluated 2025-11-05.

Conditions:
Spinal muscular atrophy, lower extremity-predominant, 2b, prenatal onset, autosomal dominant. Also called: Spinal muscular atrophy, lower extremity-predominant, 2B, autosomal dominant. Identifiers: MedGen C4749003, MONDO:0032660, OMIM 618291.
Autosomal dominant childhood-onset proximal spinal muscular atrophy with contractures (SMALED2A). Also called: Spinal muscular atrophy, lower extremity-predominant, 2A, autosomal dominant; SPINAL MUSCULAR ATROPHY, LOWER EXTREMITY-PREDOMINANT, 2A, CHILDHOOD ONSET, AUTOSOMAL DOMINANT. Identifiers: Orphanet 363447, Orphanet 363454, MedGen C4747715, MONDO:0014121, OMIM 615290.

Allele frequency attached by ClinVar (database versions not stated): gnomAD exomes below 0.00001.
gnomAD v4.1: 7 of 1,614,198 alleles (0.00043%); highest among the groups gnomAD compares: South Asian, 0.0022%; no homozygotes.

Submissions (2):

Labcorp Genetics (formerly Invitae), Labcorp
Classification: Uncertain significance for Autosomal dominant childhood-onset proximal spinal muscular atrophy with contractures. Last evaluated: 2025-11-05. Review status: criteria provided, single submitter. Criteria: Invitae Variant Classification Sherloc (09022015). Collection method: clinical testing. Allele origin: germline.
Comment: This sequence change replaces glutamic acid, which is acidic and polar, with lysine, which is basic and polar, at codon 291 of the BICD2 protein (p.Glu291Lys). This variant is present in population databases (no rsID available, gnomAD 0.0009%). This variant has not been reported in the literature in individuals affected with BICD2-related conditions. ClinVar contains an entry for this variant (Variation ID: 834774). Invitae Evidence Modeling of protein sequence and biophysical properties (such as structural, functional, and spatial information, amino acid conservation, physicochemical variation, residue mobility, and thermodynamic stability) indicates that this missense variant is not expected to disrupt BICD2 protein function with a negative predictive value of 80%. In summary, the available evidence is currently insufficient to determine the role of this variant in disease. Therefore, it has been classified as a Variant of Uncertain Significance.

Fulgent Genetics
Classification: Uncertain significance for Autosomal dominant childhood-onset proximal spinal muscular atrophy with contractures; Spinal muscular atrophy, lower extremity-predominant, 2b, prenatal onset, autosomal dominant. Last evaluated: 2022-01-29. Review status: criteria provided, single submitter. Criteria: ACMG Guidelines, 2015. Collection method: clinical testing. Allele origin: unknown.

NM_001003800.2(BICD2):c.871G>A (p.Glu291Lys)

Gene: BICD2 (BICD cargo adaptor 2; minus strand). Cytogenetic location: 9q22.31.
Variant type: single nucleotide variant.
Coding change: c.871G>A on transcript NM_001003800.2 (MANE Select); coding-DNA position 871, G replaced by A.
Protein change: p.Glu291Lys; replaces glutamic acid 291 with lysine.
Molecular consequence: missense variant.
Genome position (GRCh38, 1-based): chr9:92,720,491, C>T on the plus strand (G>A on the coding strand, the complement: BICD2 is on the minus strand). VCF-style: chr9-92720491-C-T. GRCh37 (hg19) VCF-style: chr9-95482773-C-T.
Other names: c.871G>A, p.Glu291Lys (NM_015250.4); short protein forms E291K.
Identifiers: ClinVar variation 834774 (VCV000834774.11), dbSNP rs1271142551, ClinGen allele CA374043181.